The following is an entry in ClinVar:

ClinVar aggregate classification (germline): Uncertain significance (1 of 4 stars; one submission).

Conditions:
Inborn genetic diseases. Identifiers: MedGen C0950123, MeSH D030342.

Submission:

Ambry Genetics
Classification: Uncertain significance for Inborn genetic diseases. Last evaluated: 2025-07-09. Review status: criteria provided, single submitter. Criteria: Ambry Variant Classification Scheme 2023. Collection method: clinical testing. Allele origin: germline.
Comment: The p.L216V variant (also known as c.646C>G), located in coding exon 8 of the DDX41 gene, results from a C to G substitution at nucleotide position 646. The leucine at codon 216 is replaced by valine, an amino acid with highly similar properties. This variant was reported in individual(s) with features consistent with DDX41-related hematologic malignancy predisposition syndrome; fibroblast testing was available to confirm germline origin (Li P et al. Blood, 2022 Aug;140:716-755). This amino acid position is highly conserved in available vertebrate species. In addition, the in silico prediction for this alteration is inconclusive. Based on the available evidence, the clinical significance of this variant remains unclear.

Literature cited by the submitters: PubMed 35671390.

NM_016222.4(DDX41):c.646C>G (p.Leu216Val)

Gene: DDX41 (DEAD-box helicase 41; minus strand). Cytogenetic location: 5q35.3.
Variant type: single nucleotide variant.
Coding change: c.646C>G on transcript NM_016222.4 (MANE Select); coding-DNA position 646, C replaced by G.
Protein change: p.Leu216Val; replaces leucine 216 with valine.
Molecular consequence: missense variant.
Genome position (GRCh38, 1-based): chr5:177,515,068, G>C on the plus strand (C>G on the coding strand, the complement: DDX41 is on the minus strand). VCF-style: chr5-177515068-G-C. GRCh37 (hg19) VCF-style: chr5-176942069-G-C.
Other names: c.268C>G, p.Leu90Val (NM_001321732.2, NM_001321830.2); short protein forms L216V, L90V.
Identifiers: ClinVar variation 4238715 (VCV004238715.1).